The following is an entry in ClinVar:

ClinVar aggregate classification (germline): Conflicting classifications of pathogenicity. Review status: criteria provided, conflicting classifications (1 of 4 stars). 2 submissions from 2 submitters: Uncertain significance (1); Likely benign (1). Last evaluated 2026-03-09.

Conditions:
FLNB-related disorder. Also called: FLNB-related condition; FLNB-related disorders. Identifiers: MedGen CN381095.

Allele frequency attached by ClinVar (database versions not stated): ExAC 0.00003; ESP Exome Variant Server 0.00008; gnomAD 0.00008; TOPMed 0.00008; 1000 Genomes Project 30x 0.00016; 1000 Genomes Project 0.00020; gnomAD exomes 0.00022.
gnomAD v4.1: 328 of 1,614,126 alleles (0.02%); highest among the groups gnomAD compares: Non-Finnish European, 0.026%; no homozygotes.

Submissions (2):

PreventionGenetics, part of Exact Sciences
Classification: Uncertain significance for FLNB-related condition. Last evaluated: 2026-03-09. Review status: criteria provided, single submitter. Criteria: ACMG Guidelines, 2015. Collection method: clinical testing. Allele origin: germline.
Comment: The FLNB c.3026G>A variant is predicted to result in the amino acid substitution p.Arg1009Gln. This variant was reported in the heterozygous state in an individual with Brugada Syndrome (Rubio-Alarcón et al. 2021. PubMed ID: 34884836). This variant is reported in 0.025% of alleles in individuals of East Asian descent in gnomAD. At this time, the clinical significance of this variant is uncertain due to the absence of conclusive functional and genetic evidence.

Labcorp Genetics (formerly Invitae), Labcorp
Classification: Likely benign. Last evaluated: 2026-01-26. Review status: criteria provided, single submitter. Criteria: Invitae Variant Classification Sherloc (09022015). Collection method: clinical testing. Allele origin: germline.

NM_001457.4(FLNB):c.3026G>A (p.Arg1009Gln)

Gene: FLNB (filamin B; plus strand). Cytogenetic location: 3p14.3.
Variant type: single nucleotide variant.
Coding change: c.3026G>A on transcript NM_001457.4 (MANE Select); coding-DNA position 3026, G replaced by A.
Protein change: p.Arg1009Gln; replaces arginine 1009 with glutamine.
Molecular consequence: missense variant.
Genome position (GRCh38, 1-based): chr3:58,121,403, G>A. VCF-style: chr3-58121403-G-A. GRCh37 (hg19) VCF-style: chr3-58107130-G-A.
Other names: c.3026G>A, p.Arg1009Gln (NM_001164317.2, NM_001164318.2, NM_001164319.2); c.3026G>A (NM_001457.3); short protein forms R1009Q.
Identifiers: ClinVar variation 2161289 (VCV002161289.5), dbSNP rs201369608, ClinGen allele CA2468304.